The following is an entry in ClinVar:

NM_153240.5(NPHP3):c.1976C>T (p.Pro659Leu)

Genes: NPHP3 (nephrocystin 3; minus strand), NPHP3-ACAD11 (NPHP3-ACAD11 readthrough (NMD candidate); minus strand). Cytogenetic location: 3q22.1.
Variant type: single nucleotide variant.
Coding change: c.1976C>T on transcript NM_153240.5 (MANE Select); coding-DNA position 1976, C replaced by T.
Protein change: p.Pro659Leu; replaces proline 659 with leucine.
Molecular consequence: missense variant.
Genome position (GRCh38, 1-based): chr3:132,699,362, G>A on the plus strand (C>T on the coding strand, the complement: NPHP3 is on the minus strand). VCF-style: chr3-132699362-G-A. GRCh37 (hg19) VCF-style: chr3-132418206-G-A.
Other names: short protein forms P659L.
Identifiers: ClinVar variation 900219 (VCV000900219.12), dbSNP rs147836124, ClinGen allele CA2622164.

ClinVar aggregate classification (germline): Uncertain significance. Review status: criteria provided, multiple submitters, no conflicts (2 of 4 stars). 5 submissions from 3 submitters: Uncertain significance (5). Last evaluated 2024-11-05.

Conditions:
Inborn genetic diseases. Identifiers: MedGen C0950123, MeSH D030342.
NPHP3-related Meckel-like syndrome. Also called: GOLDSTON SYNDROME; Meckel syndrome type 7. Identifiers: Orphanet 3032, MedGen C2673885, MONDO:0009966, OMIM 267010.
Renal-hepatic-pancreatic dysplasia 1 (RHPD1). Identifiers: MedGen C3715199, MONDO:0008833, OMIM 208540.
Nephronophthisis 3 (NPHP3). Also called: Adolescent nephronophthisis. Identifiers: Orphanet 655, MedGen C1858392, MONDO:0011456, OMIM 604387.
Nephronophthisis. Also called: Juvenile Nephronophthisis. Identifiers: Orphanet 655, MedGen C0687120, MONDO:0019005, HP:0000090.

Allele frequency attached by ClinVar (database versions not stated): gnomAD 0.00006 and 0.00007; TOPMed 0.00007; gnomAD exomes 0.00011 and 0.00012; ExAC 0.00013; 1000 Genomes Project 30x 0.00016; 1000 Genomes Project 0.00020; ESP Exome Variant Server 0.00023.

Submissions (5):

Labcorp Genetics (formerly Invitae), Labcorp
Classification: Uncertain significance for Nephronophthisis. Last evaluated: 2024-11-05. Review status: criteria provided, single submitter. Criteria: Invitae Variant Classification Sherloc (09022015). Collection method: clinical testing. Allele origin: germline.
Comment: This sequence change replaces proline, which is neutral and non-polar, with leucine, which is neutral and non-polar, at codon 659 of the NPHP3 protein (p.Pro659Leu). This variant is present in population databases (rs147836124, gnomAD 0.02%). This variant has not been reported in the literature in individuals affected with NPHP3-related conditions. ClinVar contains an entry for this variant (Variation ID: 900219). Invitae Evidence Modeling of protein sequence and biophysical properties (such as structural, functional, and spatial information, amino acid conservation, physicochemical variation, residue mobility, and thermodynamic stability) indicates that this missense variant is not expected to disrupt NPHP3 protein function with a negative predictive value of 95%. Algorithms developed to predict the effect of sequence changes on RNA splicing suggest that this variant may disrupt the consensus splice site. In summary, the available evidence is currently insufficient to determine the role of this variant in disease. Therefore, it has been classified as a Variant of Uncertain Significance.

Ambry Genetics
Classification: Uncertain significance for Inborn genetic diseases. Last evaluated: 2023-06-21. Review status: criteria provided, single submitter. Criteria: Ambry Variant Classification Scheme 2023. Collection method: clinical testing. Allele origin: germline.

Illumina Laboratory Services, Illumina
Classification: Uncertain significance for Nephronophthisis 3. Last evaluated: 2018-01-13. Review status: criteria provided, single submitter. Criteria: ICSL Variant Classification Criteria 13 December 2019. Collection method: clinical testing. Allele origin: germline.

Illumina Laboratory Services, Illumina
Classification: Uncertain significance for Renal-hepatic-pancreatic dysplasia 1. Last evaluated: 2018-01-13. Review status: criteria provided, single submitter. Criteria: ICSL Variant Classification Criteria 13 December 2019. Collection method: clinical testing. Allele origin: germline.

Illumina Laboratory Services, Illumina
Classification: Uncertain significance for NPHP3-related Meckel-like syndrome. Last evaluated: 2018-01-13. Review status: criteria provided, single submitter. Criteria: ICSL Variant Classification Criteria 13 December 2019. Collection method: clinical testing. Allele origin: germline.